The following is an entry in ClinVar:

NM_000130.5(F5):c.4218C>T (p.Leu1406=)

Gene: F5 (coagulation factor V; minus strand). Cytogenetic location: 1q24.2.
Variant type: single nucleotide variant.
Coding change: c.4218C>T on transcript NM_000130.5 (MANE Select); coding-DNA position 4218, C replaced by T.
Protein change: p.Leu1406=; no amino-acid change (leucine 1406 retained).
Molecular consequence: synonymous variant.
Genome position (GRCh38, 1-based): chr1:169,540,872, G>A on the plus strand (C>T on the coding strand, the complement: F5 is on the minus strand). VCF-style: chr1-169540872-G-A. GRCh37 (hg19) VCF-style: chr1-169510110-G-A.
Identifiers: ClinVar variation 2884497 (VCV002884497.22), dbSNP rs778624448, ClinGen allele CA1233735.
Genomic context (GRCh38, chr1:169,540,872, plus strand): 5'-CTGACCAAAGTTTGGGGAAAGATCTGTCTCACCAAGGTCTGGAGAAAGTGTCATCTGGTC[G>A]AGGTCTGGGGTAAGGGGAATTTGACTGAGATCTGCAAAGAGGGGCATCTCACTGAGGTCT-3'
Protein context (NP_000121.2, residues 1396-1416): DLSQIPLTPD[Leu1406=]DQMTLSPDLG

ClinVar aggregate classification (germline): Likely benign. Review status: criteria provided, multiple submitters, no conflicts (2 of 4 stars). 3 submissions from 3 submitters: Likely benign (3). Last evaluated 2025-12-06.

Conditions:
Inborn genetic diseases. Identifiers: MedGen C0950123, MeSH D030342.
Congenital factor V deficiency. Also called: LABILE FACTOR DEFICIENCY; OWREN PARAHEMOPHILIA; PARAHEMOPHILIA; Hereditary factor V deficiency disease. Identifiers: Orphanet 326, MedGen C0015499, MONDO:0009210, OMIM 227400.

Allele frequency attached by ClinVar (database versions not stated): ExAC 0.00002; gnomAD 0.00004.
gnomAD v4.1: 61 of 1,611,274 alleles (0.0038%); highest among the groups gnomAD compares: Middle Eastern, 0.017%; 1 homozygote.

Submissions (3):

Labcorp Genetics (formerly Invitae), Labcorp
Classification: Likely benign for Congenital factor V deficiency. Last evaluated: 2025-12-06. Review status: criteria provided, single submitter. Criteria: Invitae Variant Classification Sherloc (09022015). Collection method: clinical testing. Allele origin: germline.

Ambry Genetics
Classification: Likely benign for Inborn genetic diseases. Last evaluated: 2025-02-23. Review status: criteria provided, single submitter. Criteria: Ambry Variant Classification Scheme 2023. Collection method: clinical testing. Allele origin: germline.

CeGaT Center for Human Genetics Tuebingen
Classification: Likely benign. Last evaluated: 2024-06-01. Review status: criteria provided, single submitter. Criteria: CeGaT Center For Human Genetics Tuebingen Variant Classification Criteria Version 2. Collection method: clinical testing. Allele origin: germline. Affected: yes. Observed: 1 variant allele.
Comment: F5: BP4, BP7